The following is an entry in ClinVar:

NM_014028.4(OSTM1):c.615+8A>G

Gene: OSTM1 (osteoclastogenesis associated transmembrane protein 1; minus strand). Cytogenetic location: 6q21.
Variant type: single nucleotide variant.
Coding change: c.615+8A>G on transcript NM_014028.4 (MANE Select); 8 bases into the intron after coding-DNA position 615, A replaced by G.
Molecular consequence: intron variant.
Genome position (GRCh38, 1-based): chr6:108,054,482, T>C on the plus strand (A>G on the coding strand, the complement: OSTM1 is on the minus strand). VCF-style: chr6-108054482-T-C. GRCh37 (hg19) VCF-style: chr6-108375686-T-C.
Identifiers: ClinVar variation 788538 (VCV000788538.15), dbSNP rs144204437, ClinGen allele CA3948012.

ClinVar aggregate classification (germline): Benign/Likely benign. Review status: criteria provided, multiple submitters, no conflicts (2 of 4 stars). 5 submissions from 5 submitters: Benign (1); Likely benign (2). 2 of the submissions do not count toward it. Last evaluated 2026-02-04.

Conditions:
Autosomal recessive osteopetrosis 5. Identifiers: Orphanet 85179, MedGen C1968603, MONDO:0009817, OMIM 259720.

Allele frequency attached by ClinVar (database versions not stated): gnomAD exomes 0.00054 and 0.00086; 1000 Genomes Project 30x 0.00109; ExAC 0.00110; 1000 Genomes Project 0.00120; gnomAD 0.00208 and 0.00220; ESP Exome Variant Server 0.00231; TOPMed 0.00235.

Submissions (5):

Labcorp Genetics (formerly Invitae), Labcorp
Classification: Benign. Last evaluated: 2026-02-04. Review status: criteria provided, single submitter. Criteria: Invitae Variant Classification Sherloc (09022015). Collection method: clinical testing. Allele origin: germline.

Blueprint Genetics
Classification: Likely benign. Last evaluated: 2024-05-30. Review status: criteria provided, single submitter. Criteria: ACMG Guidelines, 2015. Collection method: clinical testing. Allele origin: germline.

Illumina Laboratory Services, Illumina
Classification: Likely benign for Autosomal recessive osteopetrosis 5. Last evaluated: 2018-01-13. Review status: criteria provided, single submitter. Criteria: ICSL Variant Classification Criteria 13 December 2019. Collection method: clinical testing. Allele origin: germline.
Comment: This variant was observed in the ICSL laboratory as part of a predisposition screen in an ostensibly healthy population. It had not been previously curated by ICSL or reported in the Human Gene Mutation Database (HGMD: prior to June 1st, 2018), and was therefore a candidate for classification through an automated scoring system. Utilizing variant allele frequency, disease prevalence and penetrance estimates, and inheritance mode, an automated score was calculated to assess if this variant is too frequent to cause the disease. Based on the score and internal cut-off values, a variant classified as likely benign is not then subjected to further curation. The score for this variant resulted in a classification of likely benign for this disease.

Clinical Genetics DNA and cytogenetics Diagnostics Lab, Erasmus MC, Erasmus Medical Center
Classification: Likely benign. Review status: no assertion criteria provided. Collection method: clinical testing. Allele origin: germline. Affected: yes. Study: VKGL Data-share Consensus. Not counted in ClinVar's aggregate classification.

Laboratory of Diagnostic Genome Analysis, Leiden University Medical Center (LUMC)
Classification: Likely benign. Review status: no assertion criteria provided. Collection method: clinical testing. Allele origin: germline. Affected: yes. Study: VKGL Data-share Consensus. Not counted in ClinVar's aggregate classification.